The following is an entry in ClinVar:

ClinVar aggregate classification (germline): Uncertain significance (1 of 4 stars; one submission).

Allele frequency attached by ClinVar (database versions not stated): ExAC 0.00001; gnomAD 0.00001; TOPMed 0.00001; gnomAD exomes 0.00002.
gnomAD v4.1: 24 of 1,613,836 alleles (0.0015%); highest among the groups gnomAD compares: Non-Finnish European, 0.002%; no homozygotes.

Submission:

Labcorp Genetics (formerly Invitae), Labcorp
Classification: Uncertain significance. Last evaluated: 2021-12-20. Review status: criteria provided, single submitter. Criteria: Invitae Variant Classification Sherloc (09022015). Collection method: clinical testing. Allele origin: germline.
Comment: In summary, the available evidence is currently insufficient to determine the role of this variant in disease. Therefore, it has been classified as a Variant of Uncertain Significance. Algorithms developed to predict the effect of missense changes on protein structure and function are either unavailable or do not agree on the potential impact of this missense change (SIFT: "Deleterious"; PolyPhen-2: "Not Available"; Align-GVGD: "Class C55"). This variant has not been reported in the literature in individuals affected with PTPN23-related conditions. This variant is present in population databases (rs759665215, gnomAD 0.002%). This sequence change replaces valine, which is neutral and non-polar, with alanine, which is neutral and non-polar, at codon 324 of the PTPN23 protein (p.Val324Ala).

NM_015466.4(PTPN23):c.971T>C (p.Val324Ala)

Gene: PTPN23 (protein tyrosine phosphatase non-receptor type 23; plus strand). Cytogenetic location: 3p21.31.
Variant type: single nucleotide variant.
Coding change: c.971T>C on transcript NM_015466.4 (MANE Select); coding-DNA position 971, T replaced by C.
Protein change: p.Val324Ala; replaces valine 324 with alanine.
Molecular consequence: missense variant.
Genome position (GRCh38, 1-based): chr3:47,407,552, T>C. VCF-style: chr3-47407552-T-C. GRCh37 (hg19) VCF-style: chr3-47449042-T-C.
Other names: c.593T>C, p.Val198Ala (NM_001304482.2); short protein forms V198A, V324A.
Identifiers: ClinVar variation 2059539 (VCV002059539.2), dbSNP rs759665215, ClinGen allele CA2365585.